The following is an entry in ClinVar:

NM_004204.5(PIGQ):c.1302G>T (p.Gln434His)

Gene: PIGQ (phosphatidylinositol glycan anchor biosynthesis class Q; plus strand). Cytogenetic location: 16p13.3.
Variant type: single nucleotide variant.
Coding change: c.1302G>T on transcript NM_004204.5 (MANE Select); coding-DNA position 1302, G replaced by T.
Protein change: p.Gln434His; replaces glutamine 434 with histidine.
Molecular consequence: missense variant.
Genome position (GRCh38, 1-based): chr16:579,147, G>T. VCF-style: chr16-579147-G-T. GRCh37 (hg19) VCF-style: chr16-629147-G-T.
Other names: c.1302G>T, p.Gln434His (NM_148920.4); short protein forms Q434H.
Identifiers: ClinVar variation 526281 (VCV000526281.4), dbSNP rs147895518, ClinGen allele CA7780213.
Genomic context (GRCh38, chr16:579,147, plus strand): 5'-CCATGGCCTGTCCTCACTGTGGCGTCTGTTCCGGGGGAAGAAGTGGAACGTTCTGCGCCA[G>T]CGCGTGGACTCCTGTTCCTATGACCTGGACCAGGTATGGGGCAGGGTTCGTGGCTGGAGG-3'
Protein context (NP_004195.2, residues 424-444): FRGKKWNVLR[Gln434His]RVDSCSYDLD

ClinVar aggregate classification (germline): Uncertain significance (1 of 4 stars; one submission).

Conditions:
Epilepsy. Also called: Seizure disorder. Identifiers: MedGen C0014544, MeSH D004827, MONDO:0005027.

Allele frequency attached by ClinVar (database versions not stated): gnomAD exomes 0.00010; ExAC 0.00011; gnomAD 0.00012 and 0.00013; TOPMed 0.00012; ESP Exome Variant Server 0.00054.

Submission:

Labcorp Genetics (formerly Invitae), Labcorp
Classification: Uncertain significance for Epilepsy. Last evaluated: 2022-07-12. Review status: criteria provided, single submitter. Criteria: Invitae Variant Classification Sherloc (09022015). Collection method: clinical testing. Allele origin: germline.
Comment: This sequence change replaces glutamine, which is neutral and polar, with histidine, which is basic and polar, at codon 434 of the PIGQ protein (p.Gln434His). This variant is present in population databases (rs147895518, gnomAD 0.02%). This variant has not been reported in the literature in individuals affected with PIGQ-related conditions. ClinVar contains an entry for this variant (Variation ID: 526281). Algorithms developed to predict the effect of missense changes on protein structure and function (SIFT, PolyPhen-2, Align-GVGD) all suggest that this variant is likely to be tolerated. In summary, the available evidence is currently insufficient to determine the role of this variant in disease. Therefore, it has been classified as a Variant of Uncertain Significance.